The following is an entry in ClinVar:

ClinVar aggregate classification (germline): Uncertain significance (1 of 4 stars; one submission).

Conditions:
Chédiak-Higashi syndrome (CHS). Also called: Chediak-Higashi Syndrome. Identifiers: Orphanet 167, MedGen C0007965, MONDO:0008963, OMIM 214500.

gnomAD v4.1: 6 of 1,598,988 alleles (0.00038%); highest among the groups gnomAD compares: East Asian, 0.0089%; no homozygotes.

Submission:

Labcorp Genetics (formerly Invitae), Labcorp
Classification: Uncertain significance for Chédiak-Higashi syndrome. Last evaluated: 2025-11-03. Review status: criteria provided, single submitter. Criteria: Invitae Variant Classification Sherloc (09022015). Collection method: clinical testing. Allele origin: germline.
Comment: This sequence change replaces aspartic acid, which is acidic and polar, with glycine, which is neutral and non-polar, at codon 2356 of the LYST protein (p.Asp2356Gly). This variant is present in population databases (rs771966734, gnomAD 0.01%). This variant has not been reported in the literature in individuals affected with LYST-related conditions. ClinVar contains an entry for this variant (Variation ID: 3646701). Invitae Evidence Modeling of protein sequence and biophysical properties (such as structural, functional, and spatial information, amino acid conservation, physicochemical variation, residue mobility, and thermodynamic stability) indicates that this missense variant is not expected to disrupt LYST protein function with a negative predictive value of 80%. In summary, the available evidence is currently insufficient to determine the role of this variant in disease. Therefore, it has been classified as a Variant of Uncertain Significance.

NM_000081.4(LYST):c.7067A>G (p.Asp2356Gly)

Gene: LYST (lysosomal trafficking regulator; minus strand). Cytogenetic location: 1q42.3.
Variant type: single nucleotide variant.
Coding change: c.7067A>G on transcript NM_000081.4 (MANE Select); coding-DNA position 7067, A replaced by G.
Protein change: p.Asp2356Gly; replaces aspartic acid 2356 with glycine.
Molecular consequence: missense variant.
Genome position (GRCh38, 1-based): chr1:235,755,640, T>C on the plus strand (A>G on the coding strand, the complement: LYST is on the minus strand). VCF-style: chr1-235755640-T-C. GRCh37 (hg19) VCF-style: chr1-235918940-T-C.
Other names: c.7067A>G, p.Asp2356Gly (NM_001301365.1); short protein forms D2356G.
Identifiers: ClinVar variation 3646701 (VCV003646701.2).